The following is an entry in ClinVar:

ClinVar aggregate classification (germline): Pathogenic/Likely pathogenic. Review status: criteria provided, multiple submitters, no conflicts (2 of 4 stars). 3 submissions from 3 submitters: Pathogenic (2); Likely pathogenic (1). Last evaluated 2026-04-10.

Conditions:
Deficiency of UDPglucose-hexose-1-phosphate uridylyltransferase. Also called: GALACTOSE-1-PHOSPHATE URIDYLYLTRANSFERASE DEFICIENCY; Transferase Deficiency Galactosemia; GALACTOSEMIA I; GALT deficiency; Galactosemia, classic. Identifiers: Orphanet 352, Orphanet 79239, MedGen C0268151, MONDO:0009258, OMIM 230400.
Galactosemia. Also called: Galactose intolerance. Identifiers: Orphanet 352, MedGen C0016952, MONDO:0018116, HP:0004919. Disease mechanism: loss of function.

Allele frequency attached by ClinVar (database versions not stated): gnomAD exomes below 0.00001; ExAC 0.00002; ESP Exome Variant Server 0.00008.
gnomAD v4.1: 3 of 1,614,148 alleles (0.00019%); highest among the groups gnomAD compares: South Asian, 0.0011%; no homozygotes.

Submissions (3):

Myriad Genetics, Inc.
Classification: Likely pathogenic for Deficiency of UDPglucose-hexose-1-phosphate uridylyltransferase. Last evaluated: 2026-04-10. Review status: criteria provided, single submitter. Criteria: Myriad Autosomal Dominant, Autosomal Recessive and X-Linked Classification Criteria (2023). Collection method: clinical testing. Allele origin: unknown.
Comment: NM_000155.3(GALT):c.377+1G>A is a variant in a canonical splice site classified as likely pathogenic in the context of galactosemia. c.377+1G>A has been observed in cases with relevant disease (PMID: 31194682, 31194895). Relevant functional assessments of this variant are not available in the literature. c.377+1G>A has been observed in referenced population frequency databases. In summary, NM_000155.3(GALT):c.377+1G>A is a variant in a canonical splice site in a gene where loss of function is a known mechanism of disease, is predicted to disrupt protein function, and has been observed more frequently in cases with the relevant disease than in healthy populations. Please note: this variant was assessed in the context of healthy population screening.

Natera, Inc.
Classification: Pathogenic for Galactosemia. Last evaluated: 2025-10-27. Review status: criteria provided, single submitter. Criteria: Natera Variant Classification Schema (03/2026). Collection method: clinical testing. Allele origin: germline.
Comment: The c.377+1G>A variant in GALT is a canonical splice donor site variant predicted to affect pre-mRNA splicing, which may result in an abnormal transcript and altered protein product. This variant is expected to result in nonsense mediated decay, truncation, or a dysfunctional protein product. This variant is rare in the general population with a frequency below the threshold expected for the associated phenotype(s). This variant has been observed in one or more individuals affected with the associated recessive disease, as either homozygous or compound heterozygous with a second variant (PMID: 31194682). Given the available evidence, this variant is classified as Pathogenic.

Labcorp Genetics (formerly Invitae), Labcorp
Classification: Pathogenic for Deficiency of UDPglucose-hexose-1-phosphate uridylyltransferase. Last evaluated: 2023-11-03. Review status: criteria provided, single submitter. Criteria: Invitae Variant Classification Sherloc (09022015). Collection method: clinical testing. Allele origin: germline.
Comment: This sequence change affects a donor splice site in intron 4 of the GALT gene. It is expected to disrupt RNA splicing. Variants that disrupt the donor or acceptor splice site typically lead to a loss of protein function (PMID: 16199547), and loss-of-function variants in GALT are known to be pathogenic (PMID: 22944367). This variant is present in population databases (rs111033681, gnomAD 0.007%). Disruption of this splice site has been observed in individual(s) with galactosemia (PMID: 31194895; Invitae). In at least one individual the data is consistent with being in trans (on the opposite chromosome) from a pathogenic variant. Algorithms developed to predict the effect of sequence changes on RNA splicing suggest that this variant may disrupt the consensus splice site. For these reasons, this variant has been classified as Pathogenic.

Literature cited by the submitters: PubMed 31194682 (cited by Myriad Genetics, Inc. and Natera, Inc.); PubMed 31194895 (cited by Myriad Genetics, Inc. and Labcorp Genetics (formerly Invitae), Labcorp); PubMed 16199547 (cited by Labcorp Genetics (formerly Invitae), Labcorp); PubMed 22944367 (cited by Labcorp Genetics (formerly Invitae), Labcorp).

NM_000155.4(GALT):c.377+1G>A

Gene: GALT (galactose-1-phosphate uridylyltransferase; plus strand). Cytogenetic location: 9p13.3.
Variant type: single nucleotide variant.
Coding change: c.377+1G>A on transcript NM_000155.4 (MANE Select); the canonical splice donor site of the intron after coding-DNA position 377, G replaced by A.
Molecular consequence: splice donor variant. On other transcripts: intron variant (1).
Genome position (GRCh38, 1-based): chr9:34,647,706, G>A. VCF-style: chr9-34647706-G-A. GRCh37 (hg19) VCF-style: chr9-34647703-G-A.
Other names: c.51-126G>A (NM_001258332.2); c.377+1G>A (NM_000155.3).
Identifiers: ClinVar variation 2794292 (VCV002794292.5), dbSNP rs111033681, ClinGen allele CA5036096.